The following is an entry in ClinVar:

ClinVar aggregate classification (germline): Likely benign. Review status: criteria provided, multiple submitters, no conflicts (2 of 4 stars). 2 submissions from 2 submitters: Likely benign (2). Last evaluated 2025-07-03.

Conditions:
Thrombophilia due to protein S deficiency, autosomal recessive (THPH6). Identifiers: Orphanet 743, MedGen C3281092, MONDO:0013791, OMIM 614514. Disease mechanism: loss of function.

Submissions (2):

Mayo Clinic Laboratories, Mayo Clinic
Classification: Likely benign. Last evaluated: 2025-07-03. Review status: criteria provided, single submitter. Criteria: ACMG Guidelines, 2015. Collection method: clinical testing. Allele origin: germline. Observed: 1 variant allele.
Comment: BP4, BP7, PM2_supporting

Labcorp Genetics (formerly Invitae), Labcorp
Classification: Likely benign for Thrombophilia due to protein S deficiency, autosomal recessive. Last evaluated: 2023-02-14. Review status: criteria provided, single submitter. Criteria: Invitae Variant Classification Sherloc (09022015). Collection method: clinical testing. Allele origin: germline.

NM_000313.4(PROS1):c.1324-4T>G

Gene: PROS1 (protein S; minus strand). Cytogenetic location: 3q11.1.
Variant type: single nucleotide variant.
Coding change: c.1324-4T>G on transcript NM_000313.4 (MANE Select); 4 bases into the intron before coding-DNA position 1324, T replaced by G.
Molecular consequence: intron variant.
Genome position (GRCh38, 1-based): chr3:93,884,900, A>C on the plus strand (T>G on the coding strand, the complement: PROS1 is on the minus strand). VCF-style: chr3-93884900-A-C. GRCh37 (hg19) VCF-style: chr3-93603744-A-C.
Other names: p.?; c.1420-4T>G (NM_001314077.2).
Identifiers: ClinVar variation 2882809 (VCV002882809.4), dbSNP rs2472115348, ClinGen allele CA2739278618.